The following is an entry in ClinVar:

ClinVar aggregate classification (germline): Uncertain significance (1 of 4 stars; one submission).

Conditions:
Hereditary spastic paraplegia 8 (SPG8). Also called: SPASTIC PARAPLEGIA 8, AUTOSOMAL DOMINANT. Identifiers: Orphanet 100989, MedGen C1863704, MONDO:0011339, OMIM 603563.
Ritscher-Schinzel syndrome. Also called: CRANIOCEREBELLOCARDIAC DYSPLASIA. Identifiers: Orphanet 7, MedGen C0796137, MONDO:0019078.

Allele frequency attached by ClinVar (database versions not stated): gnomAD exomes below 0.00001.
gnomAD v4.1: 1 of 1,613,858 alleles (0.000062%); highest among the groups gnomAD compares: Non-Finnish European, 0.000085%; no homozygotes.

Submission:

Labcorp Genetics (formerly Invitae), Labcorp
Classification: Uncertain significance for Ritscher-Schinzel syndrome; Hereditary spastic paraplegia 8. Last evaluated: 2023-10-13. Review status: criteria provided, single submitter. Criteria: Invitae Variant Classification Sherloc (09022015). Collection method: clinical testing. Allele origin: germline.
Comment: This sequence change replaces serine, which is neutral and polar, with threonine, which is neutral and polar, at codon 181 of the WASHC5 protein (p.Ser181Thr). This variant is not present in population databases (gnomAD no frequency). This variant has not been reported in the literature in individuals affected with WASHC5-related conditions. ClinVar contains an entry for this variant (Variation ID: 1016185). Advanced modeling of protein sequence and biophysical properties (such as structural, functional, and spatial information, amino acid conservation, physicochemical variation, residue mobility, and thermodynamic stability) performed at Invitae indicates that this missense variant is not expected to disrupt WASHC5 protein function. In summary, the available evidence is currently insufficient to determine the role of this variant in disease. Therefore, it has been classified as a Variant of Uncertain Significance.

NM_014846.4(WASHC5):c.541T>A (p.Ser181Thr)

Gene: WASHC5 (WASH complex subunit 5; minus strand). Cytogenetic location: 8q24.13.
Variant type: single nucleotide variant.
Coding change: c.541T>A on transcript NM_014846.4 (MANE Select); coding-DNA position 541, T replaced by A.
Protein change: p.Ser181Thr; replaces serine 181 with threonine.
Molecular consequence: missense variant.
Genome position (GRCh38, 1-based): chr8:125,078,908, A>T on the plus strand (T>A on the coding strand, the complement: WASHC5 is on the minus strand). VCF-style: chr8-125078908-A-T. GRCh37 (hg19) VCF-style: chr8-126091150-A-T.
Other names: c.97T>A, p.Ser33Thr (NM_001330609.2); short protein forms S181T, S33T.
Identifiers: ClinVar variation 1016185 (VCV001016185.8), dbSNP rs1817146560, ClinGen allele CA372196627.
Genomic context (GRCh38, chr8:125,078,908, plus strand): 5'-CACCTGGTTGGCTAGAATAACCTGTACTTCGAAGCAGCTTACAAATATCGTCCATATTTG[A>T]ATCAGCAGAAGATCGAGCAGCACTGAGTCATATTCACAATGGGAAACAAAGACCCAAAAC-3'
Protein context (NP_055661.3, residues 171-191): RYSAARSSAD[Ser181Thr]NMDDICKLLR